The following is an entry in ClinVar:

NM_000533.5(PLP1):c.653A>G (p.Lys218Arg)

Genes: PLP1 (proteolipid protein 1; plus strand), RAB9B (RAB9B, member RAS oncogene family; minus strand). Cytogenetic location: Xq22.2.
Variant type: single nucleotide variant.
Coding change: c.653A>G on transcript NM_000533.5 (MANE Select); coding-DNA position 653, A replaced by G.
Protein change: p.Lys218Arg; replaces lysine 218 with arginine.
Molecular consequence: missense variant.
Genome position (GRCh38, 1-based): chrX:103,788,467, A>G. VCF-style: chrX-103788467-A-G. GRCh37 (hg19) VCF-style: chrX-103043396-A-G.
Other names: c.653A>G, p.Lys218Arg (NM_001128834.3); c.488A>G, p.Lys163Arg (NM_001305004.1); c.548A>G, p.Lys183Arg (NM_199478.3); short protein forms K163R, K183R, K218R.
Identifiers: ClinVar variation 2501596 (VCV002501596.1), dbSNP rs2522317949, ClinGen allele CA414104306.

ClinVar aggregate classification (germline): Uncertain significance (1 of 4 stars; one submission).

Submission:

GeneDx
Classification: Uncertain significance. Last evaluated: 2022-11-02. Review status: criteria provided, single submitter. Criteria: GeneDx Variant Classification Process June 2021. Collection method: clinical testing. Allele origin: germline. Affected: yes.
Comment: Not observed at significant frequency in large population cohorts (gnomAD); Missense variants in this gene are often considered pathogenic (HGMD); In silico analysis supports that this missense variant does not alter protein structure/function; Has not been previously published as pathogenic or benign to our knowledge